The following continues an entry in ClinVar:

NM_020975.6(RET):c.1902C>G (p.Cys634Trp)

Gene: RET. ClinVar aggregate classification (germline): Pathogenic. Pathogenic (8).

Submissions 7 to 10 of 10:

ARUP Laboratories, Molecular Genetics and Genomics, ARUP Laboratories
Classification: Pathogenic. Last evaluated: 2018-03-14. Review status: criteria provided, single submitter. Criteria: ARUP Molecular Germline Variant Investigation Process. Collection method: clinical testing. Allele origin: germline.
Comment: The RET c.1902C>G; p.Cys634Trp variant (rs77709286), along with several other variants at this position (Cys634Arg/Gly/Ser/Tyr), have been described in individuals and families affected with multiple endocrine neoplasia type IIA (MEN2A), familial medullary thyroid carcinoma (FMTC), and pheochromocytoma (Hedayati 2011, Hofstra 1996, Mulligan 1994, Neumann 2002, Punales 2003). Further, variants at this position are considered high risk for MTC and high penetrance of pheochromocytoma (Wells 2015). The p.Cys634Trp variant has been reported as pathogenic by several laboratories in ClinVar (Variation ID: 13918) and is only observed in 1 out of 242460 alleles in the Genome Aggregation Database. The cysteine at codon 634 is highly conserved and computational algorithms (SIFT, PolyPhen2) predict this variant to be deleterious. Further, functional studies demonstrate that this variant causes the RET protein to be constitutively activated (Santoro 1995). Based on available information, this variant is considered pathogenic. References: Hedayati M et al. Predominant RET Germline Mutations in Exons 10, 11, and 16 in Iranian Patients with Hereditary Medullary Thyroid Carcinoma. J Thyroid Res. 2011:264248. Hofstra R et al. RET mutation screening in familial cutaneous lichen amyloidosis and in skin amyloidosis associated with multiple endocrine neoplasia. J Invest Dermatol. 1996; 107(2):215-8. Mulligan L et al. Specific mutations of the RET proto-oncogene are related to disease phenotype in MEN 2A and FMTC. Nat Genet. 1994; 6(1):70-4. Neumann HP et al. Germ-line mutations in nonsyndromic pheochromocytoma. N Engl J Med. 2002 346(19):1459-66. Punales MK et al. RET codon 634 mutations in multiple endocrine neoplasia type 2: variable clinical features and clinical outcome. J Clin Endocrinol Metab. 2003; 88(6): 2644-9. Santoro M et al. Activation of RET as a dominant transforming gene by germline mutations of MEN2A and MEN2B. Science. 1995 Jan 20;267(5196):381-3. Wells SA Jr et al. Revised American Thyroid Association guidelines for the management of medullary thyroid carcinoma. Thyroid. 2015 Jun;25(6):567-610.

Juno Genomics, Hangzhou Juno Genomics, Inc
Classification: Pathogenic for Familial medullary thyroid carcinoma; Multiple endocrine neoplasia type 2A; Multiple endocrine neoplasia type 2B. Review status: criteria provided, single submitter. Criteria: ACMG Guidelines, 2015. Collection method: clinical testing. Allele origin: germline.
Comment: Absent from controls (or at extremely low frequency if recessive) in Genome Aggregation Database.;Multiple lines of computational evidence support a deleterious effect on the gene or gene product.;The prevalence of the variant in affected individuals is significantly increased compared to the prevalence in controls.;Co-segregation with disease in multiple affected family members.

OMIM
Classification: Pathogenic for MULTIPLE ENDOCRINE NEOPLASIA, TYPE IIA. Last evaluated: 2007-09-27. Review status: no assertion criteria provided. Collection method: literature only. Allele origin: germline. Not counted in ClinVar's aggregate classification.

OMIM
Classification: Pathogenic for PHEOCHROMOCYTOMA. Last evaluated: 2007-09-27. Review status: no assertion criteria provided. Collection method: literature only. Allele origin: germline. Not counted in ClinVar's aggregate classification.

Literature cited by the submitters: PubMed 11939755 (cited by Labcorp Genetics (formerly Invitae), Labcorp and Mayo Clinic Laboratories, Mayo Clinic); PubMed 24331334 (cited by 4 submitters); PubMed 7824936 (cited by Labcorp Genetics (formerly Invitae), Labcorp and Mayo Clinic Laboratories, Mayo Clinic); PubMed 7907913 (cited by 4 submitters); PubMed 12000816 (cited by 4 submitters); PubMed 19469690 (cited by Ambry Genetics); PubMed 21765987 (cited by Ambry Genetics and Mayo Clinic Laboratories, Mayo Clinic); PubMed 27539324 (cited by Ambry Genetics); PubMed 9230192 (cited by Myriad Genetics, Inc.); PubMed 34905813 (cited by Myriad Genetics, Inc. and Mayo Clinic Laboratories, Mayo Clinic); PubMed 30763276 (cited by Myriad Genetics, Inc.); PubMed 7915822 (cited by Myriad Genetics, Inc.); PubMed 26071011 (cited by Myriad Genetics, Inc.); PubMed 33827484 (cited by Myriad Genetics, Inc. and Mayo Clinic Laboratories, Mayo Clinic); PubMed 25810047 (cited by Myriad Genetics, Inc.); PubMed 20672905 (cited by Mayo Clinic Laboratories, Mayo Clinic); PubMed 28186607 (cited by Mayo Clinic Laboratories, Mayo Clinic); PubMed 28469506 (cited by Mayo Clinic Laboratories, Mayo Clinic); PubMed 31263477 (cited by Mayo Clinic Laboratories, Mayo Clinic); PubMed 33397040 (cited by Mayo Clinic Laboratories, Mayo Clinic); PubMed 33450337 (cited by Mayo Clinic Laboratories, Mayo Clinic); PubMed 17898100 (cited by OMIM); Frankel, E. Ein Fall von doppelseitigem, vollig latent verlaufenen Nebennierentumor und gleichzeitiger Nephritis mit Veranderungen am Circulationsapparat und Retinitis. Arch. Path. Anat. Physiol. Klin. Med. 103: 244-263, 1886. (cited by OMIM).